The following is an entry in ClinVar:

ClinVar aggregate classification (germline): Uncertain significance (1 of 4 stars; one submission).

Conditions:
Hypertrophic cardiomyopathy. Also called: HYPERTROPHIC MYOCARDIOPATHY. Identifiers: Orphanet 217569, MedGen C0007194, MeSH D002312, MONDO:0005045, HP:0001639.

Submission:

Labcorp Genetics (formerly Invitae), Labcorp
Classification: Uncertain significance for Hypertrophic cardiomyopathy. Last evaluated: 2025-04-20. Review status: criteria provided, single submitter. Criteria: Invitae Variant Classification Sherloc (09022015). Collection method: clinical testing. Allele origin: germline.
Comment: This sequence change affects codon 1288 of the MYOM1 mRNA. It is a 'silent' change, meaning that it does not change the encoded amino acid sequence of the MYOM1 protein. This variant also falls at the last nucleotide of exon 26, which is part of the consensus splice site for this exon. This variant is present in population databases (no rsID available, gnomAD 0.003%). This variant has not been reported in the literature in individuals affected with MYOM1-related conditions. Variants that disrupt the consensus splice site are a relatively common cause of aberrant splicing (PMID: 17576681, 9536098). Algorithms developed to predict the effect of sequence changes on RNA splicing suggest that this variant may disrupt the consensus splice site. In summary, the available evidence is currently insufficient to determine the role of this variant in disease. Therefore, it has been classified as a Variant of Uncertain Significance.

Literature cited by the submitters: PubMed 17576681; PubMed 9536098.

NM_003803.4(MYOM1):c.3864G>T (p.Pro1288=)

Gene: MYOM1 (myomesin 1; minus strand). Cytogenetic location: 18p11.31.
Variant type: single nucleotide variant.
Coding change: c.3864G>T on transcript NM_003803.4 (MANE Select); coding-DNA position 3864, G replaced by T.
Protein change: p.Pro1288=; no amino-acid change (proline 1288 retained).
Molecular consequence: synonymous variant.
Genome position (GRCh38, 1-based): chr18:3,094,170, C>A on the plus strand (G>T on the coding strand, the complement: MYOM1 is on the minus strand). VCF-style: chr18-3094170-C-A. GRCh37 (hg19) VCF-style: chr18-3094168-C-A.
Other names: c.3576G>T, p.Pro1192= (NM_019856.2).
Identifiers: ClinVar variation 4695688 (VCV004695688.1).